The following is an entry in ClinVar:

ClinVar aggregate classification (germline): Conflicting classifications of pathogenicity. Review status: criteria provided, conflicting classifications (1 of 4 stars). 6 submissions from 6 submitters: Pathogenic (2); Uncertain significance (4). Last evaluated 2025-12-10.

Conditions:
SLC34A3-related disorder. Also called: SLC34A3-related condition.
Hypophosphatemic nephrolithiasis/osteoporosis 1. Identifiers: Orphanet 244305, MedGen C2676786, MONDO:0012850, OMIM 612286.
Autosomal recessive hypophosphatemic bone disease (HHRH). Also called: Hypophosphatemic rickets with hypercalciuria; HYPERCALCIURIC RICKETS. Identifiers: Orphanet 157215, MedGen C1853271, MONDO:0009431, OMIM 241530.

Allele frequency attached by ClinVar (database versions not stated): ExAC 0.00004; gnomAD exomes 0.00004; gnomAD 0.00008 and 0.00009; TOPMed 0.00008.
gnomAD v4.1: 84 of 1,611,782 alleles (0.0052%); highest among the groups gnomAD compares: Admixed American, 0.0067%; no homozygotes.

Submissions (6):

PreventionGenetics, part of Exact Sciences
Classification: Uncertain significance for SLC34A3-related condition. Last evaluated: 2025-12-10. Review status: criteria provided, single submitter. Criteria: ACMG Guidelines, 2015. Collection method: clinical testing. Allele origin: germline.
Comment: The SLC34A3 c.496G>A variant is predicted to result in the amino acid substitution p.Gly166Ser. This variant has been reported in multiple individuals with renal hypophosphatemia or nephrolithiasis (Supplemental Table S1, Hureaux et al. 2019. PubMed ID: 31672324; Brazier et al. 2023. PubMed ID: 36596813; Table S4, Sadeghi-Alavijeh et al. 2023. PubMed ID: 37414395; Table S1, Anderegg et al. 2024. PubMed ID: 38544324). In vitro functional studies indicate that this variant abolishes phosphate uptake (Brazier et al. 2023. PubMed ID: 36596813). This variant is reported in 0.0085% of alleles in individuals of Latino descent in gnomAD. Although we suspect this variant could be pathogenic, at this time, the clinical significance of this variant is uncertain due to the absence of conclusive functional and genetic evidence.

Rare Kidney Stone Consortium and the Mayo Clinic Hyperoxaluria Center, Mayo Clinic
Classification: Pathogenic for Autosomal recessive hypophosphatemic bone disease. Last evaluated: 2025-10-03. Review status: criteria provided, single submitter. Criteria: ACMG Guidelines, 2015. Collection method: research. Allele origin: germline. Affected: yes. Observed: 5 variant alleles.
Comment: ACMG:PS4, PM1, PM2, PP3, PP4, PP5

CeGaT Center for Human Genetics Tuebingen
Classification: Uncertain significance. Last evaluated: 2024-10-01. Review status: criteria provided, single submitter. Criteria: CeGaT Center For Human Genetics Tuebingen Variant Classification Criteria Version 2. Collection method: clinical testing. Allele origin: germline. Affected: yes. Observed: 2 variant alleles.
Comment: SLC34A3: PM2, PP3, PP4, PS3:Supporting

Fulgent Genetics
Classification: Uncertain significance for Autosomal recessive hypophosphatemic bone disease. Last evaluated: 2024-02-09. Review status: criteria provided, single submitter. Criteria: ACMG Guidelines, 2015. Collection method: clinical testing. Allele origin: germline.

European Hospital Georges Pompidou Genetics Department, Assistance Publique - Hôpitaux de Paris AP-HP
Classification: Pathogenic for Hypophosphatemic nephrolithiasis/osteoporosis 1. Last evaluated: 2022-05-20. Review status: criteria provided, single submitter. Criteria: ACMG Guidelines, 2015. Collection method: clinical testing, in vitro. Allele origin: germline, not applicable. Affected: yes.
Comment: ACMG criteria used to classify the variant:PS3, PS4, PM1, PM2, PP3

Labcorp Genetics (formerly Invitae), Labcorp
Classification: Uncertain significance. Last evaluated: 2022-04-28. Review status: criteria provided, single submitter. Criteria: Invitae Variant Classification Sherloc (09022015). Collection method: clinical testing. Allele origin: germline.
Comment: This sequence change replaces glycine, which is neutral and non-polar, with serine, which is neutral and polar, at codon 166 of the SLC34A3 protein (p.Gly166Ser). This variant is present in population databases (rs200536604, gnomAD 0.009%). This missense change has been observed in individual(s) with hypophosphatemia (PMID: 31672324). ClinVar contains an entry for this variant (Variation ID: 954131). Algorithms developed to predict the effect of missense changes on protein structure and function are either unavailable or do not agree on the potential impact of this missense change (SIFT: "Deleterious"; PolyPhen-2: "Probably Damaging"; Align-GVGD: "Class C0"). Algorithms developed to predict the effect of sequence changes on RNA splicing suggest that this variant may disrupt the consensus splice site. In summary, the available evidence is currently insufficient to determine the role of this variant in disease. Therefore, it has been classified as a Variant of Uncertain Significance.

Literature cited by the submitters: PubMed 31672324 (cited by Rare Kidney Stone Consortium and the Mayo Clinic Hyperoxaluria Center, Mayo Clinic and Labcorp Genetics (formerly Invitae), Labcorp); PubMed 36596813 (cited by Rare Kidney Stone Consortium and the Mayo Clinic Hyperoxaluria Center, Mayo Clinic); PubMed 37414395 (cited by Rare Kidney Stone Consortium and the Mayo Clinic Hyperoxaluria Center, Mayo Clinic); PubMed 40794449 (cited by Rare Kidney Stone Consortium and the Mayo Clinic Hyperoxaluria Center, Mayo Clinic).

NM_001177316.2(SLC34A3):c.496G>A (p.Gly166Ser)

Gene: SLC34A3 (solute carrier family 34 member 3; plus strand). Cytogenetic location: 9q34.3.
Variant type: single nucleotide variant.
Coding change: c.496G>A on transcript NM_001177316.2 (MANE Select); coding-DNA position 496, G replaced by A.
Protein change: p.Gly166Ser; replaces glycine 166 with serine.
Molecular consequence: missense variant.
Genome position (GRCh38, 1-based): chr9:137,233,051, G>A. VCF-style: chr9-137233051-G-A. GRCh37 (hg19) VCF-style: chr9-140127503-G-A.
Other names: c.496G>A, p.Gly166Ser (NM_001177317.2, NM_080877.3); short protein forms G166S.
Identifiers: ClinVar variation 954131 (VCV000954131.29), dbSNP rs200536604, ClinGen allele CA5364435.
Genomic context (GRCh38, chr9:137,233,051, plus strand): 5'-CCCCCACCAGCAGTGCTGACTGTCCGGGTGTCTGTGCCCATCATCATGGGTGTCAACGTA[G>A]GCACATCCATCACCAGCACCCTGGTCTCAATGGCGCAGTCAGGGGACCGGGATGAATTTC-3'
Protein context (NP_001170787.2, residues 156-176): SVPIIMGVNV[Gly166Ser]TSITSTLVSM